The following is an entry in ClinVar:

ClinVar aggregate classification (germline): Likely pathogenic (1 of 4 stars; one submission).

Submission:

Dasa
Classification: Likely pathogenic. Last evaluated: 2024-07-08. Review status: criteria provided, single submitter. Criteria: DASA Assertion Criteria. Collection method: clinical testing. Allele origin: germline.
Comment: NM_006662.3(SRCAP):c.2174dup (p.Tyr725*) introduces a premature termination codon predicted to result in loss of normal protein function. Loss-of-function is an established mechanism of disease for this gene. Based on the available data, this variant is classified as likely pathogenic.

NM_006662.3(SRCAP):c.2174dup (p.Tyr725Ter)

Gene: SRCAP (Snf2 related CREBBP activator protein; plus strand). Cytogenetic location: 16p11.2.
Variant type: Duplication.
Coding change: c.2174dup on transcript NM_006662.3 (MANE Select); coding-DNA position 2174, one base duplicated (A; older notation c.2174dupA).
Protein change: p.Tyr725Ter; replaces tyrosine 725 with a stop codon.
Molecular consequence: nonsense.
Genome position (GRCh38, 1-based): chr16:30,713,251, A duplicated. VCF-style (leftmost placement, unchanged base first): chr16-30713250-T-TA. GRCh37 (hg19) VCF-style: chr16-30724571-T-TA.
Other names: short protein forms Y725*.
Identifiers: ClinVar variation 4851876 (VCV004851876.1).
Genomic context (GRCh38, chr16:30,713,250, plus strand): 5'-CTGTCTTTGATCCCTCAGGGCTGGACCAAGCCCAATGCCTTTCATGTGTGTATCACATCT[T>TA]ACAAGCTGGTGCTGCAGGACCACCAGGCCTTCCGTCGCAAGAACTGGCGCTATCTCATTC-3'